The following is an entry in ClinVar:

ClinVar aggregate classification (germline): Likely benign. Review status: criteria provided, multiple submitters, no conflicts (2 of 4 stars). 5 submissions from 5 submitters: Likely benign (5). Last evaluated 2026-02-03.

Conditions:
MYL3-related disorder. Also called: MYL3-related condition.
Cardiovascular phenotype. Identifiers: MedGen CN230736.
Hypertrophic cardiomyopathy. Also called: HYPERTROPHIC MYOCARDIOPATHY. Identifiers: Orphanet 217569, MedGen C0007194, MeSH D002312, MONDO:0005045, HP:0001639.
Cardiomyopathy (CMYO). Also called: Cardiomyopathies. Identifiers: Orphanet 167848, MedGen C0878544, MONDO:0004994, HP:0001638. Inheritance: Various modes of inheritance.

Allele frequency attached by ClinVar (database versions not stated): gnomAD exomes below 0.00001 and 0.00001; TOPMed 0.00002; gnomAD 0.00005 and 0.00006; ESP Exome Variant Server 0.00008.

Submissions (5):

Labcorp Genetics (formerly Invitae), Labcorp
Classification: Likely benign for Hypertrophic cardiomyopathy. Last evaluated: 2026-02-03. Review status: criteria provided, single submitter. Criteria: Invitae Variant Classification Sherloc (09022015). Collection method: clinical testing. Allele origin: germline.

PreventionGenetics, part of Exact Sciences
Classification: Likely benign for MYL3-related condition. Last evaluated: 2025-04-07. Review status: criteria provided, single submitter. Criteria: ACMG Guidelines, 2015. Collection method: clinical testing. Allele origin: germline.
Comment: This variant is classified as likely benign based on ACMG/AMP sequence variant interpretation guidelines (Richards et al. 2015 PMID: 25741868, with internal and published modifications).

All of Us Research Program, National Institutes of Health
Classification: Likely benign for Hypertrophic cardiomyopathy. Last evaluated: 2023-12-13. Review status: criteria provided, single submitter. Criteria: ACMG Guidelines, 2015. Collection method: clinical testing. Allele origin: germline. Inheritance: Autosomal dominant inheritance. Observed: 1 variant allele, 1 heterozygote.
Comment: This study involves interpretation of variants in research participants for the purpose of population health screening. Participant phenotype was not available at the time of variant classification. Additional details can be found in publication PMID: 35346344, PMCID: PMC8962531

Color Diagnostics, LLC DBA Color Health
Classification: Likely benign for Cardiomyopathy. Last evaluated: 2020-02-04. Review status: criteria provided, single submitter. Criteria: ACMG Guidelines, 2015. Collection method: clinical testing. Allele origin: germline.

Ambry Genetics
Classification: Likely benign for Cardiovascular phenotype. Last evaluated: 2019-05-22. Review status: criteria provided, single submitter. Criteria: Ambry Variant Classification Scheme 2023. Collection method: clinical testing. Allele origin: germline.

NM_000258.3(MYL3):c.552C>T (p.Asn184=)

Gene: MYL3 (myosin light chain 3; minus strand). Cytogenetic location: 3p21.31.
Variant type: single nucleotide variant.
Coding change: c.552C>T on transcript NM_000258.3 (MANE Select); coding-DNA position 552, C replaced by T.
Protein change: p.Asn184=; no amino-acid change (asparagine 184 retained).
Molecular consequence: synonymous variant.
Genome position (GRCh38, 1-based): chr3:46,858,391, G>A on the plus strand (C>T on the coding strand, the complement: MYL3 is on the minus strand). VCF-style: chr3-46858391-G-A. GRCh37 (hg19) VCF-style: chr3-46899881-G-A.
Identifiers: ClinVar variation 924406 (VCV000924406.13), dbSNP rs140829951, ClinGen allele CA73777366.
Genomic context (GRCh38, chr3:46,858,391, plus strand): 5'-GCCTGGGTCCCAGCACTCCCCTCCCAGAAGACCCCTGCCCCTGCTGAGCCCACCTTCATA[G>A]TTGATGCAGCCATTGGAGTCCTCTTGCCCAGCCATCAACTTCTCCACTTCGTCTTCTGTC-3'
Protein context (NP_000249.1, residues 174-194): AGQEDSNGCI[Asn184=]YEAFVKHIMS